The following is an entry in ClinVar:

NM_001852.4(COL9A2):c.1634A>C (p.Lys545Thr)

Gene: COL9A2 (collagen type IX alpha 2 chain; minus strand). Cytogenetic location: 1p34.2.
Variant type: single nucleotide variant.
Coding change: c.1634A>C on transcript NM_001852.4 (MANE Select); coding-DNA position 1634, A replaced by C.
Protein change: p.Lys545Thr; replaces lysine 545 with threonine.
Molecular consequence: missense variant.
Genome position (GRCh38, 1-based): chr1:40,302,779, T>G on the plus strand (A>C on the coding strand, the complement: COL9A2 is on the minus strand). VCF-style: chr1-40302779-T-G. GRCh37 (hg19) VCF-style: chr1-40768451-T-G.
Other names: short protein forms K545T.
Identifiers: ClinVar variation 1063750 (VCV001063750.9), dbSNP rs769412872, ClinGen allele CA791362.

ClinVar aggregate classification (germline): Uncertain significance (1 of 4 stars; one submission).

Allele frequency attached by ClinVar (database versions not stated): gnomAD exomes 0.00002 and 0.00003; gnomAD 0.00003; TOPMed 0.00003; ExAC 0.00005.
gnomAD v4.1: 44 of 1,484,474 alleles (0.003%); highest among the groups gnomAD compares: Non-Finnish European, 0.0037%; no homozygotes.

Submission:

Labcorp Genetics (formerly Invitae), Labcorp
Classification: Uncertain significance. Last evaluated: 2025-12-09. Review status: criteria provided, single submitter. Criteria: Invitae Variant Classification Sherloc (09022015). Collection method: clinical testing. Allele origin: germline.
Comment: This sequence change replaces lysine, which is basic and polar, with threonine, which is neutral and polar, at codon 545 of the COL9A2 protein (p.Lys545Thr). This variant is present in population databases (rs769412872, gnomAD 0.004%). This variant has not been reported in the literature in individuals affected with COL9A2-related conditions. ClinVar contains an entry for this variant (Variation ID: 1063750). Invitae Evidence Modeling of protein sequence and biophysical properties (such as structural, functional, and spatial information, amino acid conservation, physicochemical variation, residue mobility, and thermodynamic stability) indicates that this missense variant is not expected to disrupt COL9A2 protein function with a negative predictive value of 95%. In summary, the available evidence is currently insufficient to determine the role of this variant in disease. Therefore, it has been classified as a Variant of Uncertain Significance.